The following is an entry in ClinVar:

NM_003924.4(PHOX2B):c.929A>G (p.Lys310Arg)

Gene: PHOX2B (paired like homeobox 2B; minus strand). Cytogenetic location: 4p13.
Variant type: single nucleotide variant.
Coding change: c.929A>G on transcript NM_003924.4 (MANE Select); coding-DNA position 929, A replaced by G.
Protein change: p.Lys310Arg; replaces lysine 310 with arginine.
Molecular consequence: missense variant.
Genome position (GRCh38, 1-based): chr4:41,745,823, T>C on the plus strand (A>G on the coding strand, the complement: PHOX2B is on the minus strand). VCF-style: chr4-41745823-T-C. GRCh37 (hg19) VCF-style: chr4-41747840-T-C.
Other names: short protein forms K310R.
Identifiers: ClinVar variation 467752 (VCV000467752.20), dbSNP rs767873201, ClinGen allele CA2901390.
Genomic context (GRCh38, chr4:41,745,823, plus strand): 5'-CTCGCCCGCTGTCGCCGCCGCCGCCGCCGCCGCAGGATTCCAGATCAGAACATACTGCTC[T>C]TCACTAAGGCGGCTTTGGCACCGTTGGGTCTTTGGAGCGAAGATAGGACGCTGGCGAAGG-3'
Protein context (NP_003915.2, residues 300-314): RPNGAKAALV[Lys310Arg]SSMF

ClinVar aggregate classification (germline): Uncertain significance. Review status: criteria provided, multiple submitters, no conflicts (2 of 4 stars). 5 submissions from 5 submitters: Uncertain significance (5). Last evaluated 2025-06-24.

Conditions:
PHOX2B-related disorder. Also called: PHOX2B-related condition.
Hereditary cancer-predisposing syndrome. Also called: Tumor predisposition; Hereditary neoplastic syndrome; Neoplastic Syndromes, Hereditary; Hereditary Cancer Syndrome. Identifiers: Orphanet 140162, MedGen C0027672, MeSH D009386, MONDO:0015356.
Haddad syndrome (OHD). Also called: Ondine-Hirschsprung disease. Identifiers: Orphanet 99803, MedGen C1859049, MONDO:0020493.
Neuroblastoma, susceptibility to, 2. Identifiers: Orphanet 635, MedGen C2751682, MONDO:0700041, OMIM 613013.

Allele frequency attached by ClinVar (database versions not stated): ExAC 0.00001; gnomAD exomes 0.00001 and 0.00002; TOPMed 0.00001; gnomAD 0.00002.
gnomAD v4.1: 27 of 1,608,318 alleles (0.0017%); highest among the groups gnomAD compares: Non-Finnish European, 0.0023%; no homozygotes.

Submissions (5):

Ambry Genetics
Classification: Uncertain significance for Hereditary cancer-predisposing syndrome. Last evaluated: 2025-06-24. Review status: criteria provided, single submitter. Criteria: Ambry Variant Classification Scheme 2023. Collection method: clinical testing. Allele origin: germline.

Labcorp Genetics (formerly Invitae), Labcorp
Classification: Uncertain significance for Haddad syndrome. Last evaluated: 2025-05-05. Review status: criteria provided, single submitter. Criteria: Invitae Variant Classification Sherloc (09022015). Collection method: clinical testing. Allele origin: germline.
Comment: This sequence change replaces lysine, which is basic and polar, with arginine, which is basic and polar, at codon 310 of the PHOX2B protein (p.Lys310Arg). This variant is present in population databases (rs767873201, gnomAD 0.002%). This variant has not been reported in the literature in individuals affected with PHOX2B-related conditions. ClinVar contains an entry for this variant (Variation ID: 467752). Experimental studies and prediction algorithms are not available or were not evaluated, and the functional significance of this variant is currently unknown. In summary, the available evidence is currently insufficient to determine the role of this variant in disease. Therefore, it has been classified as a Variant of Uncertain Significance.

PreventionGenetics, part of Exact Sciences
Classification: Uncertain significance for PHOX2B-related condition. Last evaluated: 2025-04-25. Review status: criteria provided, single submitter. Criteria: ACMG Guidelines, 2015. Collection method: clinical testing. Allele origin: germline.
Comment: The PHOX2B c.929A>G variant is predicted to result in the amino acid substitution p.Lys310Arg. To our knowledge, this variant has not been reported in the literature. This variant is reported in 0.0019% of alleles in individuals of European (non-Finnish) descent in gnomAD. At this time, the clinical significance of this variant is uncertain due to the absence of conclusive functional and genetic evidence.

Baylor Genetics
Classification: Uncertain significance for Neuroblastoma, susceptibility to, 2. Last evaluated: 2024-03-25. Review status: criteria provided, single submitter. Criteria: ACMG Guidelines, 2015. Collection method: clinical testing. Allele origin: unknown.

GeneDx
Classification: Uncertain significance. Last evaluated: 2023-07-13. Review status: criteria provided, single submitter. Criteria: GeneDx Variant Classification Process June 2021. Collection method: clinical testing. Allele origin: germline. Affected: yes.
Comment: Not observed at significant frequency in large population cohorts (gnomAD); In silico analysis supports that this missense variant does not alter protein structure/function; Has not been previously published as pathogenic or benign to our knowledge